The following is an entry in ClinVar:

NM_001374259.2(IL12RB2):c.439A>G (p.Arg147Gly)

Gene: IL12RB2 (interleukin 12 receptor subunit beta 2; plus strand). Cytogenetic location: 1p31.3.
Variant type: single nucleotide variant.
Coding change: c.439A>G on transcript NM_001374259.2 (MANE Select); coding-DNA position 439, A replaced by G.
Protein change: p.Arg147Gly; replaces arginine 147 with glycine.
Molecular consequence: missense variant. On other transcripts: non-coding transcript variant (2).
Genome position (GRCh38, 1-based): chr1:67,326,809, A>G. VCF-style: chr1-67326809-A-G. GRCh37 (hg19) VCF-style: chr1-67792492-A-G.
Other names: c.439A>G, p.Arg147Gly (NM_001258214.1, NM_001258215.1, NM_001258216.1 and 2 more transcripts); short protein forms R147G.
Identifiers: ClinVar variation 4797464 (VCV004797464.1).

ClinVar aggregate classification (germline): Uncertain significance (1 of 4 stars; one submission).

gnomAD v4.1: 2 of 1,613,834 alleles (0.00012%); highest among the groups gnomAD compares: East Asian, 0.0045%; no homozygotes.

Submission:

Labcorp Genetics (formerly Invitae), Labcorp
Classification: Uncertain significance. Last evaluated: 2025-08-17. Review status: criteria provided, single submitter. Criteria: Invitae Variant Classification Sherloc (09022015). Collection method: clinical testing. Allele origin: germline.
Comment: This sequence change replaces arginine, which is basic and polar, with glycine, which is neutral and non-polar, at codon 147 of the IL12RB2 protein (p.Arg147Gly). This variant is present in population databases (no rsID available, gnomAD 0.06%). This variant has not been reported in the literature in individuals affected with IL12RB2-related conditions. An algorithm developed to predict the effect of missense changes on protein structure and function (PolyPhen-2) suggests that this variant is likely to be tolerated. In summary, the available evidence is currently insufficient to determine the role of this variant in disease. Therefore, it has been classified as a Variant of Uncertain Significance.